The following is an entry in ClinVar:

NM_001363118.2(SLC52A2):c.1094T>G (p.Leu365Arg)

Gene: SLC52A2 (solute carrier family 52 member 2; plus strand). Cytogenetic location: 8q24.3.
Variant type: single nucleotide variant.
Coding change: c.1094T>G on transcript NM_001363118.2 (MANE Select); coding-DNA position 1094, T replaced by G.
Protein change: p.Leu365Arg; replaces leucine 365 with arginine.
Molecular consequence: missense variant. On other transcripts: non-coding transcript variant (1).
Genome position (GRCh38, 1-based): chr8:144,360,682, T>G. VCF-style: chr8-144360682-T-G. GRCh37 (hg19) VCF-style: chr8-145584342-T-G.
Other names: c.1094T>G, p.Leu365Arg (NM_001253815.2, NM_001253816.2, NM_001363120.2 and 2 more transcripts); c.602T>G, p.Leu201Arg (NM_001363122.2); c.830T>G, p.Leu277Arg (NM_001410949.1); short protein forms L201R, L277R, L365R.
Identifiers: ClinVar variation 1790234 (VCV001790234.2), dbSNP rs1281187305, ClinGen allele CA372629130.

ClinVar aggregate classification (germline): Uncertain significance (1 of 4 stars; one submission).

Conditions:
Inborn genetic diseases. Identifiers: MedGen C0950123, MeSH D030342.

Submission:

Ambry Genetics
Classification: Uncertain significance for Inborn genetic diseases. Last evaluated: 2021-12-29. Review status: criteria provided, single submitter. Criteria: Ambry Variant Classification Scheme 2023. Collection method: clinical testing. Allele origin: germline.
Comment: The p.L365R variant (also known as c.1094T>G), located in coding exon 3 of the SLC52A2 gene, results from a T to G substitution at nucleotide position 1094. The leucine at codon 365 is replaced by arginine, an amino acid with dissimilar properties. This amino acid position is conserved. In addition, this alteration is predicted to be deleterious by in silico analysis. Since supporting evidence is limited at this time, the clinical significance of this alteration remains unclear.